The following is an entry in ClinVar:

ClinVar aggregate classification (germline): Uncertain significance (1 of 4 stars; one submission).

gnomAD v4.1: 5 of 1,211,618 alleles (0.00041%); highest among the groups gnomAD compares: Non-Finnish European, 0.00056%; no homozygotes.

Submission:

Ambry Genetics
Classification: Uncertain significance. Last evaluated: 2025-12-31. Review status: criteria provided, single submitter. Criteria: Ambry Variant Classification Scheme 2023. Collection method: clinical testing. Allele origin: germline.
Comment: The c.1949A>G (p.H650R) alteration is located in exon 10 (coding exon 10) of the MID2 gene. This alteration results from a A to G substitution at nucleotide position 1949, causing the histidine (H) at amino acid position 650 to be replaced by an arginine (R). Based on data from gnomAD, the G allele has an overall frequency of <0.001% (1/183340) total alleles studied. The highest observed frequency was 0.001% (1/81856) of European (non-Finnish) alleles. Based on insufficient or conflicting evidence, the clinical significance of this alteration remains unclear.

NM_012216.4(MID2):c.1949A>G (p.His650Arg)

Genes: MID2 (midline 2; plus strand), LOC101928335 (uncharacterized LOC101928335; minus strand). Cytogenetic location: Xq22.3.
Variant type: single nucleotide variant.
Coding change: c.1949A>G on transcript NM_012216.4 (MANE Select); coding-DNA position 1949, A replaced by G.
Protein change: p.His650Arg; replaces histidine 650 with arginine.
Molecular consequence: missense variant.
Genome position (GRCh38, 1-based): chrX:107,926,814, A>G. VCF-style: chrX-107926814-A-G. GRCh37 (hg19) VCF-style: chrX-107170044-A-G.
Other names: c.1889A>G, p.His630Arg (NM_001382751.1); c.1799A>G, p.His600Arg (NM_001382752.1); c.1859A>G, p.His620Arg (NM_052817.3); short protein forms H620R, H600R, H630R, H650R.
Identifiers: ClinVar variation 4829848 (VCV004829848.1).
Genomic context (GRCh38, chrX:107,926,814, plus strand): 5'-GCAATAGTAACTTCGTGGTGAGACACAACAACAAGGAAATGCTGGTGGATGTGCCCCCAC[A>G]CCTGAAGCGTCTGGGTGTCCTCCTGGATTATGACAACAATATGCTGTCTTTCTATGACCC-3'
Protein context (NP_036348.2, residues 640-660): NKEMLVDVPP[His650Arg]LKRLGVLLDY